The following is an entry in ClinVar:

NM_005732.4(RAD50):c.2468G>A (p.Arg823Gln)

Gene: RAD50 (RAD50 double strand break repair protein; plus strand). Cytogenetic location: 5q31.1.
Variant type: single nucleotide variant.
Coding change: c.2468G>A on transcript NM_005732.4 (MANE Select); coding-DNA position 2468, G replaced by A.
Protein change: p.Arg823Gln; replaces arginine 823 with glutamine.
Molecular consequence: missense variant.
Genome position (GRCh38, 1-based): chr5:132,603,990, G>A. VCF-style: chr5-132603990-G-A. GRCh37 (hg19) VCF-style: chr5-131939682-G-A.
Other names: short protein forms R823Q.
Identifiers: ClinVar variation 216623 (VCV000216623.21), dbSNP rs572533256, ClinGen allele CA336689.

ClinVar aggregate classification (germline): Uncertain significance. Review status: criteria provided, multiple submitters, no conflicts (2 of 4 stars). 5 submissions from 5 submitters: Uncertain significance (5). Last evaluated 2025-12-15.

Conditions:
Hereditary cancer-predisposing syndrome. Also called: Hereditary Cancer Syndrome; Hereditary neoplastic syndrome; Neoplastic Syndromes, Hereditary; Tumor predisposition. Identifiers: Orphanet 140162, MedGen C0027672, MeSH D009386, MONDO:0015356.
Nijmegen breakage syndrome-like disorder (NBSLD). Also called: MICROCEPHALY AND SPONTANEOUS CHROMOSOME INSTABILITY WITHOUT IMMUNODEFICIENCY; NBS-LIKE DISORDER; RAD50 DEFICIENCY. Identifiers: Orphanet 240760, MedGen C2751318, MONDO:0013118, OMIM 613078.

Allele frequency attached by ClinVar (database versions not stated): gnomAD 0.00001 and 0.00003; TOPMed 0.00001; ExAC 0.00007; 1000 Genomes Project 30x 0.00016; 1000 Genomes Project 0.00020.
gnomAD v4.1: 68 of 1,613,492 alleles (0.0042%); highest among the groups gnomAD compares: South Asian, 0.058%; no homozygotes.

Submissions (5):

Labcorp Genetics (formerly Invitae), Labcorp
Classification: Uncertain significance for Hereditary cancer-predisposing syndrome. Last evaluated: 2025-12-15. Review status: criteria provided, single submitter. Criteria: Invitae Variant Classification Sherloc (09022015). Collection method: clinical testing. Allele origin: germline.
Comment: This sequence change replaces arginine, which is basic and polar, with glutamine, which is neutral and polar, at codon 823 of the RAD50 protein (p.Arg823Gln). This variant is present in population databases (rs572533256, gnomAD 0.06%). This variant has not been reported in the literature in individuals affected with RAD50-related conditions. ClinVar contains an entry for this variant (Variation ID: 216623). Invitae Evidence Modeling of protein sequence and biophysical properties (such as structural, functional, and spatial information, amino acid conservation, physicochemical variation, residue mobility, and thermodynamic stability) indicates that this missense variant is expected to disrupt RAD50 protein function with a positive predictive value of 80%. In summary, the available evidence is currently insufficient to determine the role of this variant in disease. Therefore, it has been classified as a Variant of Uncertain Significance.

Women's Health and Genetics/Laboratory Corporation of America, LabCorp
Classification: Uncertain significance. Last evaluated: 2025-04-07. Review status: criteria provided, single submitter. Criteria: LabCorp Variant Classification Summary - May 2015. Collection method: clinical testing. Allele origin: germline.
Comment: Variant summary: RAD50 c.2468G>A (p.Arg823Gln) results in a conservative amino acid change in the encoded protein sequence. Three of five in-silico tools predict a benign effect of the variant on protein function. The variant allele was found at a frequency of 8e-05 in 251146 control chromosomes. This frequency is not significantly higher than estimated for a pathogenic variant in RAD50 causing Nijmegen Breakage Syndrome-Like Disorder (8e-05 vs 0.0024), allowing no conclusion about variant significance. To our knowledge, no occurrence of c.2468G>A in individuals affected with Nijmegen Breakage Syndrome-Like Disorder and no experimental evidence demonstrating its impact on protein function have been reported. ClinVar contains an entry for this variant (Variation ID: 216623). Based on the evidence outlined above, the variant was classified as uncertain significance.

Ambry Genetics
Classification: Uncertain significance for Hereditary cancer-predisposing syndrome. Last evaluated: 2024-11-27. Review status: criteria provided, single submitter. Criteria: Ambry Variant Classification Scheme 2023. Collection method: clinical testing. Allele origin: germline.
Comment: The p.R823Q variant (also known as c.2468G>A), located in coding exon 15 of the RAD50 gene, results from a G to A substitution at nucleotide position 2468. The arginine at codon 823 is replaced by glutamine, an amino acid with highly similar properties. This amino acid position is highly conserved in available vertebrate species. In addition, the in silico prediction for this alteration is inconclusive. Since supporting evidence is limited at this time, the clinical significance of this alteration remains unclear.

Baylor Genetics
Classification: Uncertain significance for Nijmegen breakage syndrome-like disorder. Last evaluated: 2024-01-05. Review status: criteria provided, single submitter. Criteria: ACMG Guidelines, 2015. Collection method: clinical testing. Allele origin: unknown.

Revvity Omics, Revvity
Classification: Uncertain significance for Nijmegen breakage syndrome-like disorder. Last evaluated: 2023-06-08. Review status: criteria provided, single submitter. Criteria: ACMG Guidelines, 2015. Collection method: clinical testing. Allele origin: germline.